The following is an entry in ClinVar:

ClinVar aggregate classification (germline): Uncertain significance (1 of 4 stars; one submission).

Submission:

GeneDx
Classification: Uncertain significance. Last evaluated: 2023-10-11. Review status: criteria provided, single submitter. Criteria: GeneDx Variant Classification Process June 2021. Collection method: clinical testing. Allele origin: germline. Affected: yes.
Comment: Not observed at significant frequency in large population cohorts (gnomAD); In silico analysis supports that this missense variant does not alter protein structure/function; Has not been previously published as pathogenic or benign to our knowledge

NM_015338.6(ASXL1):c.2027A>G (p.Glu676Gly)

Gene: ASXL1 (ASXL transcriptional regulator 1; plus strand). Cytogenetic location: 20q11.21.
Variant type: single nucleotide variant.
Coding change: c.2027A>G on transcript NM_015338.6 (MANE Select); coding-DNA position 2027, A replaced by G.
Protein change: p.Glu676Gly; replaces glutamic acid 676 with glycine.
Molecular consequence: missense variant.
Genome position (GRCh38, 1-based): chr20:32,434,739, A>G. VCF-style: chr20-32434739-A-G. GRCh37 (hg19) VCF-style: chr20-31022542-A-G.
Other names: c.1844A>G, p.Glu615Gly (NM_001363734.1); short protein forms E615G, E676G.
Identifiers: ClinVar variation 2662817 (VCV002662817.1), dbSNP rs2145361127, ClinGen allele CA408558808.